The following is an entry in ClinVar:

NM_001378454.1(ALMS1):c.207CGA[1] (p.Asp70del)

Gene: ALMS1 (ALMS1 centrosome and basal body associated protein; plus strand). Cytogenetic location: 2p13.1.
Variant type: Microsatellite.
Coding change: c.207CGA[1] on transcript NM_001378454.1 (MANE Select); one copy of the 3-base unit CGA starting at c.207; the reference has two copies in a row; one copy, 3 bases deleted.
Protein change: p.Asp70del; deletes aspartic acid 70.
Molecular consequence: inframe deletion.
Genome position (GRCh38, 1-based): chr2:73,386,078-73,386,080, CGA deleted; deleting any 3 consecutive bases within chr2:73,386,073-73,386,080 gives the same sequence; the position shown is the placement nearest the transcript's 3' end. VCF-style (leftmost placement, unchanged base first): chr2-73386072-AGAC-A. GRCh37 (hg19) VCF-style: chr2-73613200-AGAC-A.
Other names: c.210CGA[1], p.Asp71del (NM_015120.4); c.210_212delCGA (NM_015120.4); short protein forms D70del, D71del.
Identifiers: ClinVar variation 4737871 (VCV004737871.2).
Genomic context (GRCh38, chr2:73,386,072, plus strand): 5'-AGAGGCGGGGCGGGAGTTGGACTCCGACTCTCACTACGGGCCCCAGCATCTGGAAAGTAT[AGAC>A]GACGAGGAGGACGAGGAGGCCAAGGCCTGGCTGCAGGCGCACCCCGGCAGGATTTTGCCT-3'

ClinVar aggregate classification (germline): Uncertain significance. Review status: criteria provided, multiple submitters, no conflicts (2 of 4 stars). 2 submissions from 2 submitters: Uncertain significance (2). Last evaluated 2025-05-07.

Conditions:
ALMS1-related disorder. Also called: ALMS1-related condition.
Alstrom syndrome (ALMS). Identifiers: Orphanet 64, MedGen C0268425, MONDO:0008763, OMIM 203800.

Submissions (2):

PreventionGenetics, part of Exact Sciences
Classification: Uncertain significance for ALMS1-related condition. Last evaluated: 2025-05-07. Review status: criteria provided, single submitter. Criteria: ACMG Guidelines, 2015. Collection method: clinical testing. Allele origin: germline.
Comment: The ALMS1 c.210_212delCGA variant is predicted to result in an in-frame deletion (p.Asp70del). To our knowledge, this variant has not been reported in the literature or in a large population database (gnomAD), indicating this variant is rare. At this time, the clinical significance of this variant is uncertain due to the absence of conclusive functional and genetic evidence.

Labcorp Genetics (formerly Invitae), Labcorp
Classification: Uncertain significance for Alstrom syndrome. Last evaluated: 2025-03-14. Review status: criteria provided, single submitter. Criteria: Invitae Variant Classification Sherloc (09022015). Collection method: clinical testing. Allele origin: germline.
Comment: This variant, c.213_215del, results in the deletion of 1 amino acid(s) of the ALMS1 protein (p.Asp71del), but otherwise preserves the integrity of the reading frame. This variant is not present in population databases (gnomAD no frequency). This variant has not been reported in the literature in individuals affected with ALMS1-related conditions. Experimental studies and prediction algorithms are not available or were not evaluated, and the functional significance of this variant is currently unknown. In summary, the available evidence is currently insufficient to determine the role of this variant in disease. Therefore, it has been classified as a Variant of Uncertain Significance.